The following is an entry in ClinVar:

NM_016222.4(DDX41):c.1283T>C (p.Leu428Pro)

Gene: DDX41 (DEAD-box helicase 41; minus strand). Cytogenetic location: 5q35.3.
Variant type: single nucleotide variant.
Coding change: c.1283T>C on transcript NM_016222.4 (MANE Select); coding-DNA position 1283, T replaced by C.
Protein change: p.Leu428Pro; replaces leucine 428 with proline.
Molecular consequence: missense variant.
Genome position (GRCh38, 1-based): chr5:177,513,030, A>G on the plus strand (T>C on the coding strand, the complement: DDX41 is on the minus strand). VCF-style: chr5-177513030-A-G. GRCh37 (hg19) VCF-style: chr5-176940031-A-G.
Other names: c.905T>C, p.Leu302Pro (NM_001321732.2, NM_001321830.2); short protein forms L302P, L428P.
Identifiers: ClinVar variation 1336572 (VCV001336572.9), dbSNP rs1761050435, ClinGen allele CA362373489.

ClinVar aggregate classification (germline): Uncertain significance. Review status: criteria provided, multiple submitters, no conflicts (2 of 4 stars). 3 submissions from 3 submitters: Uncertain significance (3). Last evaluated 2025-08-16.

Conditions:
Inborn genetic diseases. Identifiers: MedGen C0950123, MeSH D030342.

Allele frequency attached by ClinVar (database versions not stated): gnomAD exomes below 0.00001; TOPMed below 0.00001.
gnomAD v4.1: 2 of 1,613,760 alleles (0.00012%); highest among the groups gnomAD compares: Non-Finnish European, 0.00017%; no homozygotes.

Submissions (3):

Labcorp Genetics (formerly Invitae), Labcorp
Classification: Uncertain significance. Last evaluated: 2025-08-16. Review status: criteria provided, single submitter. Criteria: Invitae Variant Classification Sherloc (09022015). Collection method: clinical testing. Allele origin: germline.
Comment: This sequence change replaces leucine, which is neutral and non-polar, with proline, which is neutral and non-polar, at codon 428 of the DDX41 protein (p.Leu428Pro). This variant is not present in population databases (gnomAD no frequency). This missense change has been observed in individual(s) with clinical features of DDX41-related conditions (PMID: 36322930, 36455200, 37199125, 37665752). ClinVar contains an entry for this variant (Variation ID: 1336572). An algorithm developed to predict the effect of missense changes on protein structure and function (PolyPhen-2) suggests that this variant is likely to be disruptive. In summary, the available evidence is currently insufficient to determine the role of this variant in disease. Therefore, it has been classified as a Variant of Uncertain Significance.

Ambry Genetics
Classification: Uncertain significance for Inborn genetic diseases. Last evaluated: 2025-04-01. Review status: criteria provided, single submitter. Criteria: Ambry Variant Classification Scheme 2023. Collection method: clinical testing. Allele origin: germline.
Comment: The p.L428P variant (also known as c.1283T>C), located in coding exon 12 of the DDX41 gene, results from a T to C substitution at nucleotide position 1283. The leucine at codon 428 is replaced by proline, an amino acid with similar properties. This variant was reported in individual(s) with features consistent with DDX41-related hematologic malignancy predisposition syndrome, but germline origin was not confirmed (Makishima H et al. Blood, 2023 Feb;141:534-549; Badar T et al. Haematologica, 2023 Nov;108:3033-3043). This amino acid position is highly conserved in available vertebrate species. In addition, this alteration is predicted to be deleterious by in silico analysis. Based on the available evidence, the clinical significance of this variant remains unclear.

Genetic Services Laboratory, University of Chicago
Classification: Uncertain significance. Last evaluated: 2018-02-23. Review status: criteria provided, single submitter. Criteria: ACMG Guidelines, 2015. Collection method: clinical testing. Allele origin: germline. Affected: no.

Literature cited by the submitters: PubMed 36322930 (cited by Labcorp Genetics (formerly Invitae), Labcorp and Ambry Genetics); PubMed 36455200 (cited by Labcorp Genetics (formerly Invitae), Labcorp); PubMed 37199125 (cited by Labcorp Genetics (formerly Invitae), Labcorp and Ambry Genetics); PubMed 37665752 (cited by Labcorp Genetics (formerly Invitae), Labcorp).